The following is an entry in ClinVar:

NM_001174150.2(ARL13B):c.130+242T>C

Gene: ARL13B (ARF like GTPase 13B; plus strand). Cytogenetic location: 3q11.1.
Variant type: single nucleotide variant.
Coding change: c.130+242T>C on transcript NM_001174150.2 (MANE Select); 242 bases into the intron after coding-DNA position 130, T replaced by C.
Molecular consequence: intron variant.
Genome position (GRCh38, 1-based): chr3:93,996,186, T>C. VCF-style: chr3-93996186-T-C. GRCh37 (hg19) VCF-style: chr3-93715030-T-C.
Other names: c.-38+242T>C (NM_001321328.2); c.130+242T>C (NM_182896.3); c.-179-7473T>C (NM_001174151.2); c.59+15704T>C (NM_144996.4).
Identifiers: ClinVar variation 677637 (VCV000677637.1), dbSNP rs11718593, ClinGen allele CA78517620.

ClinVar aggregate classification (germline): Likely benign (1 of 4 stars; one submission).

Allele frequency attached by ClinVar (database versions not stated): 1000 Genomes Project 0.01218; 1000 Genomes Project 30x 0.01359; TOPMed 0.01943; gnomAD 0.02068 and 0.02152.
gnomAD v4.1: 3,146 of 152,284 alleles (2.1%); highest among the groups gnomAD compares: Non-Finnish European, 3%; 56 homozygotes.

Submission:

GeneDx
Classification: Likely benign. Last evaluated: 2018-06-16. Review status: criteria provided, single submitter. Criteria: GeneDx Variant Classification (06012015). Collection method: clinical testing. Allele origin: germline. Affected: yes.
Comment: This variant is considered likely benign or benign based on one or more of the following criteria: it is a conservative change, it occurs at a poorly conserved position in the protein, it is predicted to be benign by multiple in silico algorithms, and/or has population frequency not consistent with disease.